The following is an entry in ClinVar:

ClinVar aggregate classification (germline): Pathogenic/Likely pathogenic. Review status: criteria provided, multiple submitters, no conflicts (2 of 4 stars). 2 submissions from 2 submitters: Pathogenic (1); Likely pathogenic (1). Last evaluated 2025-05-27.

Conditions:
USH2A-related disorder. Also called: USH2A-related condition; USH2A-related disorders. Identifiers: MedGen CN239332.

gnomAD v4.1: 1 of 1,613,756 alleles (0.000062%); highest among the groups gnomAD compares: Non-Finnish European, 0.000085%; no homozygotes.

Submissions (2):

Myriad Genetics, Inc.
Classification: Pathogenic for USH2A-related disorder. Last evaluated: 2025-05-27. Review status: criteria provided, single submitter. Criteria: Myriad Autosomal Dominant, Autosomal Recessive and X-Linked Classification Criteria (2023). Collection method: clinical testing. Allele origin: unknown.
Comment: NM_206933.2(USH2A):c.264C>A(C88*) is a nonsense variant classified as pathogenic in the context of USH2A-related disorders. C88* has not been observed in cases with relevant disease. Relevant functional assessments of this variant are not available in the literature. C88* has not been observed in referenced population frequency databases. In summary, NM_206933.2(USH2A):c.264C>A(C88*) is a nonsense variant in a gene where loss of function is a known mechanism of disease and is predicted to disrupt protein function. Please note: this variant was assessed in the context of healthy population screening.

CeGaT Center for Human Genetics Tuebingen
Classification: Likely pathogenic. Last evaluated: 2019-07-01. Review status: criteria provided, single submitter. Criteria: CeGaT Center For Human Genetics Tuebingen Variant Classification Criteria Version 2. Collection method: clinical testing. Allele origin: germline. Affected: yes. Observed: 1 variant allele.

NM_206933.4(USH2A):c.264C>A (p.Cys88Ter)

Gene: USH2A (usherin; minus strand). Cytogenetic location: 1q41.
Variant type: single nucleotide variant.
Coding change: c.264C>A on transcript NM_206933.4 (MANE Select); coding-DNA position 264, C replaced by A.
Protein change: p.Cys88Ter; replaces cysteine 88 with a stop codon.
Molecular consequence: nonsense.
Genome position (GRCh38, 1-based): chr1:216,422,073, G>T on the plus strand (C>A on the coding strand, the complement: USH2A is on the minus strand). VCF-style: chr1-216422073-G-T. GRCh37 (hg19) VCF-style: chr1-216595415-G-T.
Other names: c.264C>A, p.Cys88Ter (NM_007123.6); short protein forms C88*.
Identifiers: ClinVar variation 872621 (VCV000872621.42), dbSNP rs368798834, ClinGen allele CA344904337.